The following is an entry in ClinVar:

NM_000071.3(CBS):c.919G>A (p.Gly307Ser)

Gene: CBS (cystathionine beta-synthase; minus strand). Cytogenetic location: 21q22.3.
Variant type: single nucleotide variant.
Coding change: c.919G>A on transcript NM_000071.3 (MANE Select); coding-DNA position 919, G replaced by A.
Protein change: p.Gly307Ser; replaces glycine 307 with serine.
Molecular consequence: missense variant.
Genome position (GRCh38, 1-based): chr21:43,062,988, C>T on the plus strand (G>A on the coding strand, the complement: CBS is on the minus strand). VCF-style: chr21-43062988-C-T. GRCh37 (hg19) VCF-style: chr21-44483098-C-T.
Other names: p.G307S:GGC>AGC; c.919G>A, p.Gly307Ser (NM_001178008.3, NM_001178009.3, NM_001320298.2); c.604G>A, p.Gly202Ser (NM_001321072.1); short protein forms G307S, G202S.
Identifiers: ClinVar variation 117 (VCV000000117.71), dbSNP rs121964962, ClinGen allele CA113874.

ClinVar aggregate classification (germline): Pathogenic. Review status: criteria provided, multiple submitters, no conflicts (2 of 4 stars). 24 submissions from 23 submitters: Pathogenic (19). 5 of the submissions do not count toward it. Last evaluated 2026-08-01.

Conditions:
CBS-related disorder. Also called: CBS-related condition.
Homocystinuria. Identifiers: MedGen C0019880, MONDO:0004737, HP:0002156.
Familial thoracic aortic aneurysm and aortic dissection (TAAD). Also called: Thoracic aortic aneurysms and dissections. Identifiers: Orphanet 91387, MedGen C4707243, MONDO:0019625.
Classic homocystinuria. Also called: HOMOCYSTINURIA WITH OR WITHOUT RESPONSE TO PYRIDOXINE; Homocystinuria due to CBS deficiency; Cystathionine beta-synthase deficiency; CBS deficiency; Homocystinuria due to Cystathionine Beta-Synthase Deficiency. Identifiers: Orphanet 394, MedGen C0751202, MONDO:0009352, OMIM 236200.
HYPERHOMOCYSTEINEMIA, THROMBOTIC, CBS-RELATED. Identifiers: MedGen C3150344, OMIM 236200.
Homocystinuria, pyridoxine-nonresponsive. Identifiers: MedGen C4017308.

Allele frequency attached by ClinVar (database versions not stated): gnomAD exomes 0.00016; gnomAD 0.00025; ExAC 0.00016.

Submissions 1 to 12 of 24:

CeGaT Center for Human Genetics Tuebingen
Classification: Pathogenic. Last evaluated: 2026-08-01. Review status: criteria provided, single submitter. Criteria: CeGaT Center For Human Genetics Tuebingen Variant Classification Criteria Version 2. Collection method: clinical testing. Allele origin: germline. Affected: yes. Observed: 5 variant alleles.
Comment: CBS: PM3:Very Strong, PM2, PP3, PP4, PS3:Supporting

Labcorp Genetics (formerly Invitae), Labcorp
Classification: Pathogenic for HYPERHOMOCYSTEINEMIA, THROMBOTIC, CBS-RELATED. Last evaluated: 2026-01-26. Review status: criteria provided, single submitter. Criteria: Invitae Variant Classification Sherloc (09022015). Collection method: clinical testing. Allele origin: germline.
Comment: This sequence change replaces glycine, which is neutral and non-polar, with serine, which is neutral and polar, at codon 307 of the CBS protein (p.Gly307Ser). This variant is present in population databases (rs121964962, gnomAD 0.03%). This missense change has been observed in individual(s) with homocystinuria (PMID: 7506602, 7581402, 8744616, 9889017, 23733603). It has also been observed to segregate with disease in related individuals. ClinVar contains an entry for this variant (Variation ID: 117). Invitae Evidence Modeling of protein sequence and biophysical properties (such as structural, functional, and spatial information, amino acid conservation, physicochemical variation, residue mobility, and thermodynamic stability) indicates that this missense variant is expected to disrupt CBS protein function with a positive predictive value of 95%. Experimental studies have shown that this missense change affects CBS function (PMID: 20506325, 22267502). For these reasons, this variant has been classified as Pathogenic.

Natera, Inc.
Classification: Pathogenic for Homocystinuria due to cystathionine beta-synthase deficiency. Last evaluated: 2025-12-15. Review status: criteria provided, single submitter. Criteria: Natera Variant Classification Schema (03/2026). Collection method: clinical testing. Allele origin: germline.
Comment: The c.919G>A variant in CBS is a missense variant predicted to cause substitution of glycine to serine at amino acid 307. This variant is rare in the general population with a frequency below the threshold expected for the associated phenotype(s). This variant has been observed in one or more individuals affected with the associated recessive disease, as either homozygous or compound heterozygous with a second variant (PMID: 12124992). Additionally, this variant has been observed to segregate in affected family members (PMID: 12124992). Computational prediction algorithms indicate this variant is likely to affect gene or protein function. Given the available evidence, this variant is classified as Pathogenic.

First Genomix Gene Laboratory, Genetic Diagnostics Department
Classification: Pathogenic for Classic homocystinuria. Last evaluated: 2025-06-20. Review status: criteria provided, single submitter. Criteria: ACMG Guidelines, 2015. Collection method: clinical testing. Allele origin: germline. Inheritance: Autosomal recessive inheritance. Affected: no. Observed: 1 variant allele.

ARUP Laboratories, Molecular Genetics and Genomics, ARUP Laboratories
Classification: Pathogenic. Last evaluated: 2025-03-13. Review status: criteria provided, single submitter. Criteria: ARUP Molecular Germline Variant Investigation Process 2024. Collection method: clinical testing. Allele origin: germline.
Comment: The CBS c.919G>A; p.Gly307Ser variant (rs121964962, ClinVar Variation ID: 117) is reported in the literature in numerous individuals affected with homocystinuria often found homozygous or compound heterozygous (Dawson 1996, Hu 1993, Kelly 2003, Moat 2004, Stabler 2013). This variant is found in the non-Finnish European population with an allele frequency of 0.03% (41/129158 alleles) in the Genome Aggregation Database (v2.1.1). Functional analyses of the variant protein show absent or near absent enzyme activity when compared to the wildtype (Hnizda 2012, Hu 1993, Mayfield 2012). Computational analyses predict that this variant is deleterious (REVEL: 0.946). Based on available information, this variant is considered to be pathogenic. References: Dawson PA et al. Variable hyperhomocysteinaemia phenotype in heterozygotes for the Gly307Ser mutation in cystathionine beta-synthase. Aust N Z J Med. 1996 Apr;26(2):180-5. PMID: 8744616. Hnizda A et al. Cystathionine beta-synthase mutants exhibit changes in protein unfolding: conformational analysis of misfolded variants in crude cell extracts. J Inherit Metab Dis. 2012 May;35(3):469-77. PMID: 22069143. Hu FL et al. Molecular basis of cystathionine beta-synthase deficiency in pyridoxine responsive and nonresponsive homocystinuria. Hum Mol Genet. 1993 Nov;2(11):1857-60. PMID: 7506602. Kelly PJ et al. Stroke in young patients with hyperhomocysteinemia due to cystathionine beta-synthase deficiency. Neurology. 2003 Jan 28;60(2):275-9. PMID: 12552044. Mayfield JA et al. Surrogate genetics and metabolic profiling for characterization of human disease alleles. Genetics. 2012 Apr;190(4):1309-23Epub 2012 Jan 20. Erratum in: Genetics. 2012 Oct;192(2):759-60. PMID: 22267502. Moat SJ et al. The molecular basis of cystathionine beta-synthase (CBS) deficiency in UK and US patients with homocystinuria. Hum Mutat. 2004 Feb;23(2):206. PMID: 14722927. Stabler SP et al. Metabolic profiling of total homocysteine and related compounds in hyperhomocysteinemia: utility and limitations in diagnosing the cause of puzzling thrombophilia in a family. JIMD Rep. 2013; 11:149-63. PMID: 23733603.

Mayo Clinic Laboratories, Mayo Clinic
Classification: Pathogenic. Last evaluated: 2025-01-30. Review status: criteria provided, single submitter. Criteria: ACMG Guidelines, 2015. Collection method: clinical testing. Allele origin: germline. Observed: 1 variant allele.
Comment: PP1, PP3_strong, PM3, PS3, PS4

Blueprint Genetics
Classification: Pathogenic for CBS-related disorders. Last evaluated: 2024-11-04. Review status: criteria provided, single submitter. Criteria: ACMG Guidelines, 2015. Collection method: clinical testing. Allele origin: germline. Affected: yes. Observed: 5 variant alleles.

Baylor Genetics
Classification: Pathogenic for Classic homocystinuria. Last evaluated: 2024-03-28. Review status: criteria provided, single submitter. Criteria: ACMG Guidelines, 2015. Collection method: clinical testing. Allele origin: unknown.

Revvity Omics, Revvity
Classification: Pathogenic for Classic homocystinuria. Last evaluated: 2024-03-25. Review status: criteria provided, single submitter. Criteria: ACMG Guidelines, 2015. Collection method: clinical testing. Allele origin: germline.

Ambry Genetics
Classification: Pathogenic for Familial thoracic aortic aneurysm and aortic dissection. Last evaluated: 2023-12-01. Review status: criteria provided, single submitter. Criteria: Ambry Variant Classification Scheme 2023. Collection method: clinical testing. Allele origin: germline.
Comment: The p.G307S pathogenic mutation (also known as c.919G>A), located in coding exon 8 of the CBS gene, results from a G to A substitution at nucleotide position 919. The glycine at codon 307 is replaced by serine, an amino acid with similar properties. This alteration was described to account for about 70% of disease alleles in Ireland (Gallagher PM et al. Hum. Mutat., 1995;6:177-80), 21% in UK and 8% in US (Moat SJ et al. Hum. Mutat., 2004 Feb;23:206). This alteration has been reported in the homozygous state in multiple individuals with homocysteinuria, as well as in the heterozygous state in patients with an (un)identified second allele (Dawson PA et al. Aust N Z J Med, 1996 Apr;26:180-5; Gallagher PM et al. Hum. Mutat., 1995;6:177-80; Kim CE et al. Hum. Mol. Genet., 1997 Dec;6:2213-21; Moat SJ et al. Hum. Mutat., 2004 Feb;23:206). In addition, this alteration was reported to occur in the enzyme active site (Meier M et al. Biochim. Biophys. Acta, 2003 Apr;1647:206-13), and in vitro studies have consistently suggested that this change would abolish enzyme activity, probably by interfering with protein folding (Kim CE et al. Hum. Mol. Genet., 1997 Dec;6:2213-21; Kozich V et al. Hum. Mutat., 2010 Jul;31:809-19; Mayfield JA et al. Genetics, 2012 Apr;190:1309-23; Hn&iacute;zda A et al. J. Inherit. Metab. Dis., 2012 May;35:469-77). In addition, this alteration is predicted to be deleterious by BayesDel in silico analysis. Based on the supporting evidence, this alteration is interpreted as a disease-causing mutation.

Fulgent Genetics
Classification: Pathogenic for Classic homocystinuria. Last evaluated: 2022-04-04. Review status: criteria provided, single submitter. Criteria: ACMG Guidelines, 2015. Collection method: clinical testing. Allele origin: unknown.

Genetics and Molecular Pathology, SA Pathology
Classification: Pathogenic for Classic homocystinuria. Last evaluated: 2021-11-05. Review status: criteria provided, single submitter. Criteria: ACMG Guidelines, 2015. Collection method: clinical testing. Allele origin: germline. Inheritance: Autosomal recessive inheritance. Affected: yes.